The following is an entry in ClinVar:

NC_000023.11:g.(?_32380500)_(32816650_?)del

Gene: DMD (dystrophin; minus strand). Cytogenetic location: Xp21.1.
Variant type: Deletion.
Identifiers: ClinVar variation 832637 (VCV000832637.6).

ClinVar aggregate classification (germline): Pathogenic (1 of 4 stars; one submission).

Conditions:
Duchenne muscular dystrophy (DMD). Also called: Duchenne Muscular Dystrophy (DMD); MUSCULAR DYSTROPHY, PSEUDOHYPERTROPHIC PROGRESSIVE, DUCHENNE TYPE. Identifiers: Orphanet 98896, MedGen C0013264, MONDO:0010679, OMIM 310200.

Submission:

Labcorp Genetics (formerly Invitae), Labcorp
Classification: Pathogenic for Duchenne muscular dystrophy. Last evaluated: 2019-12-13. Review status: criteria provided, single submitter. Criteria: Invitae Variant Classification Sherloc (09022015). Collection method: clinical testing. Allele origin: germline.
Comment: For these reasons, this variant has been classified as Pathogenic. Sub-genic deletion of 19-20 has been determined to be pathogenic (PMID: 19907931, 12324874, 25482253, 15723292). Therefore, deletions that fully encompass that region are also expected to be pathogenic. This variant has not been reported in the literature in individuals with DMD-related conditions. This variant is an in-frame deletion of the genomic region encompassing exons 6-34 of the DMD gene. It preserves the integrity of the reading frame.

Literature cited by the submitters: PubMed 19907931; PubMed 12324874; PubMed 25482253; PubMed 15723292.